The following is an entry in ClinVar:

ClinVar aggregate classification (germline): Uncertain significance (1 of 4 stars; one submission).

gnomAD v4.1: 10 of 1,613,740 alleles (0.00062%); highest among the groups gnomAD compares: South Asian, 0.0077%; no homozygotes.

Submission:

Labcorp Genetics (formerly Invitae), Labcorp
Classification: Uncertain significance. Last evaluated: 2022-10-07. Review status: criteria provided, single submitter. Criteria: Invitae Variant Classification Sherloc (09022015). Collection method: clinical testing. Allele origin: germline.
Comment: Algorithms developed to predict the effect of missense changes on protein structure and function (SIFT, PolyPhen-2, Align-GVGD) all suggest that this variant is likely to be tolerated. In summary, the available evidence is currently insufficient to determine the role of this variant in disease. Therefore, it has been classified as a Variant of Uncertain Significance. ClinVar contains an entry for this variant (Variation ID: 1377163). This variant has not been reported in the literature in individuals affected with PCNT-related conditions. This variant is present in population databases (rs150279909, gnomAD 0.01%). This sequence change replaces alanine, which is neutral and non-polar, with serine, which is neutral and polar, at codon 1161 of the PCNT protein (p.Ala1161Ser).

NM_006031.6(PCNT):c.3481G>T (p.Ala1161Ser)

Gene: PCNT (pericentrin; plus strand). Cytogenetic location: 21q22.3.
Variant type: single nucleotide variant.
Coding change: c.3481G>T on transcript NM_006031.6 (MANE Select); coding-DNA position 3481, G replaced by T.
Protein change: p.Ala1161Ser; replaces alanine 1161 with serine.
Molecular consequence: missense variant.
Genome position (GRCh38, 1-based): chr21:46,388,758, G>T. VCF-style: chr21-46388758-G-T. GRCh37 (hg19) VCF-style: chr21-47808673-G-T.
Other names: c.3127G>T, p.Ala1043Ser (NM_001315529.2); short protein forms A1043S, A1161S.
Identifiers: ClinVar variation 1377163 (VCV001377163.6), dbSNP rs150279909, ClinGen allele CA10079336.